The following is an entry in ClinVar:

NM_030773.4(TUBB1):c.155A>T (p.Asn52Ile)

Gene: TUBB1 (tubulin beta 1 class VI; plus strand). Cytogenetic location: 20q13.32.
Variant type: single nucleotide variant.
Coding change: c.155A>T on transcript NM_030773.4 (MANE Select); coding-DNA position 155, A replaced by T.
Protein change: p.Asn52Ile; replaces asparagine 52 with isoleucine.
Molecular consequence: missense variant.
Genome position (GRCh38, 1-based): chr20:59,022,942, A>T. VCF-style: chr20-59022942-A-T. GRCh37 (hg19) VCF-style: chr20-57597997-A-T.
Other names: short protein forms N52I.
Identifiers: ClinVar variation 2443288 (VCV002443288.2), dbSNP rs1316094452, ClinGen allele CA409466298.

ClinVar aggregate classification (germline): Uncertain significance (0 of 4 stars; one submission).

Allele frequency attached by ClinVar (database versions not stated): gnomAD exomes below 0.00001.
gnomAD v4.1: 2 of 1,613,894 alleles (0.00012%); highest among the groups gnomAD compares: East Asian, 0.0045%; no homozygotes.

Submission:

Genetic Services Laboratory, University of Chicago
Classification: Uncertain significance. Last evaluated: 2022-09-02. Review status: no assertion criteria provided. Collection method: clinical testing. Allele origin: germline. Affected: no.
Comment: DNA sequence analysis of the TUBB1 gene demonstrated a sequence change, c.155A>T, in exon 2 that results in an amino acid change, p.Asn52Ile. This sequence change does not appear to have been previously described in individuals with TUBB1-related disorders. This sequence change has been described in the gnomAD database in one individual which corresponds to a population frequency of 0.0004% (dbSNP rs1316094452). The p.Asn52Ile change affects a highly conserved amino acid residue located in a domain of the TUBB1 protein that is known to be functional. The p.Asn52Ile substitution appears to be deleterious using several in-silico pathogenicity prediction tools (SIFT, PolyPhen2, Align GVGD, REVEL). Due to insufficient evidences and the lack of functional studies, the clinical significance of the p.Asn52Ile change remains unknown at this time.